The following is an entry in ClinVar:

NM_006912.6(RIT1):c.638del (p.Lys213fs)

Gene: RIT1 (Ras like without CAAX 1; minus strand). Cytogenetic location: 1q22.
Variant type: Deletion.
Coding change: c.638del on transcript NM_006912.6 (MANE Select); coding-DNA position 638, one base deleted (A; older notation c.638delA).
Protein change: p.Lys213fs; shifts the reading frame from lysine 213.
Molecular consequence: frameshift variant.
Genome position (GRCh38, 1-based): chr1:155,900,410, T deleted on the plus strand (A on the coding strand, the reverse complement: RIT1 is on the minus strand); the first of 2 consecutive T bases (chr1:155,900,410-155,900,411); deleting either gives the same sequence. VCF-style (leftmost placement, unchanged base first): chr1-155900409-CT-C. GRCh37 (hg19) VCF-style: chr1-155870200-CT-C.
Other names: c.530del, p.Lys177fs (NM_001256820.2); c.689del, p.Lys230fs (NM_001256821.2); short protein forms K213fs, K230fs, K177fs.
Identifiers: ClinVar variation 2891588 (VCV002891588.3), dbSNP rs2527171042, ClinGen allele CA421055291.

ClinVar aggregate classification (germline): Uncertain significance (1 of 4 stars; one submission).

Conditions:
Noonan syndrome 8 (NS8). Identifiers: Orphanet 648, MedGen C3809233, MONDO:0014143, OMIM 615355.

Submission:

Labcorp Genetics (formerly Invitae), Labcorp
Classification: Uncertain significance for Noonan syndrome 8. Last evaluated: 2024-01-22. Review status: criteria provided, single submitter. Criteria: Invitae Variant Classification Sherloc (09022015). Collection method: clinical testing. Allele origin: germline.
Comment: This sequence change creates a premature translational stop signal (p.Lys213Argfs*6) in the RIT1 gene. While this is not anticipated to result in nonsense mediated decay, it is expected to disrupt the last 7 amino acid(s) of the RIT1 protein. This variant is not present in population databases (gnomAD no frequency). This variant has not been reported in the literature in individuals affected with RIT1-related conditions. In summary, the available evidence is currently insufficient to determine the role of this variant in disease. Therefore, it has been classified as a Variant of Uncertain Significance.